The following is an entry in ClinVar:

NM_144772.3(NAXE):c.536T>C (p.Leu179Pro)

Gene: NAXE (NAD(P)HX epimerase; plus strand). Cytogenetic location: 1q22.
Variant type: single nucleotide variant.
Coding change: c.536T>C on transcript NM_144772.3 (MANE Select); coding-DNA position 536, T replaced by C.
Protein change: p.Leu179Pro; replaces leucine 179 with proline.
Molecular consequence: missense variant.
Genome position (GRCh38, 1-based): chr1:156,593,427, T>C. VCF-style: chr1-156593427-T-C. GRCh37 (hg19) VCF-style: chr1-156563219-T-C.
Other names: short protein forms L179P.
Identifiers: ClinVar variation 1400501 (VCV001400501.8), dbSNP rs202244772, ClinGen allele CA1162825.

ClinVar aggregate classification (germline): Uncertain significance (1 of 4 stars; one submission).

Allele frequency attached by ClinVar (database versions not stated): gnomAD exomes 0.00002 and 0.00003; ExAC 0.00003; TOPMed 0.00004; gnomAD 0.00005 and 0.00006; ESP Exome Variant Server 0.00015.
gnomAD v4.1: 46 of 1,613,968 alleles (0.0029%); highest among the groups gnomAD compares: Non-Finnish European, 0.0038%; no homozygotes.

Submission:

Labcorp Genetics (formerly Invitae), Labcorp
Classification: Uncertain significance. Last evaluated: 2024-01-24. Review status: criteria provided, single submitter. Criteria: Invitae Variant Classification Sherloc (09022015). Collection method: clinical testing. Allele origin: germline.
Comment: This sequence change replaces leucine, which is neutral and non-polar, with proline, which is neutral and non-polar, at codon 179 of the NAXE protein (p.Leu179Pro). This variant is present in population databases (rs202244772, gnomAD 0.007%). This variant has not been reported in the literature in individuals affected with NAXE-related conditions. ClinVar contains an entry for this variant (Variation ID: 1400501). Advanced modeling of protein sequence and biophysical properties (such as structural, functional, and spatial information, amino acid conservation, physicochemical variation, residue mobility, and thermodynamic stability) performed at Invitae indicates that this missense variant is not expected to disrupt NAXE protein function with a negative predictive value of 80%. In summary, the available evidence is currently insufficient to determine the role of this variant in disease. Therefore, it has been classified as a Variant of Uncertain Significance.